The following is an entry in ClinVar:

NM_004519.4(KCNQ3):c.107C>T (p.Ala36Val)

Gene: KCNQ3 (potassium voltage-gated channel subfamily Q member 3; minus strand). Cytogenetic location: 8q24.22.
Variant type: single nucleotide variant.
Coding change: c.107C>T on transcript NM_004519.4 (MANE Select); coding-DNA position 107, C replaced by T.
Protein change: p.Ala36Val; replaces alanine 36 with valine.
Molecular consequence: missense variant.
Genome position (GRCh38, 1-based): chr8:132,480,426, G>A on the plus strand (C>T on the coding strand, the complement: KCNQ3 is on the minus strand). VCF-style: chr8-132480426-G-A. GRCh37 (hg19) VCF-style: chr8-133492673-G-A.
Other names: short protein forms A36V.
Identifiers: ClinVar variation 1785969 (VCV001785969.2), dbSNP rs1822523352, ClinGen allele CA372292882.
Genomic context (GRCh38, chr8:132,480,426, plus strand): 5'-GCCAAGGTGACTTGCTCCACGTCGCCGGGCGCCAGCCCCACTTTCCGCTCCTCGTCGCCG[G>A]CCGCCGCCGCGTCCCCTCCGGCTGGGTTAGCCGCCCCGCCGCCTCCGCCGCCCCCGTCGC-3'
Protein context (NP_004510.1, residues 26-46): ANPAGGDAAA[Ala36Val]GDEERKVGLA

ClinVar aggregate classification (germline): Uncertain significance (1 of 4 stars; one submission).

Conditions:
Inborn genetic diseases. Identifiers: MedGen C0950123, MeSH D030342.

Submission:

Ambry Genetics
Classification: Uncertain significance for Inborn genetic diseases. Last evaluated: 2018-11-29. Review status: criteria provided, single submitter. Criteria: Ambry Variant Classification Scheme 2023. Collection method: clinical testing. Allele origin: germline.
Comment: The p.A36V variant (also known as c.107C>T), located in coding exon 1 of the KCNQ3 gene, results from a C to T substitution at nucleotide position 107. The alanine at codon 36 is replaced by valine, an amino acid with similar properties. This amino acid position is not well conserved in available vertebrate species. In addition, the in silico prediction for this alteration is inconclusive. Since supporting evidence is limited at this time, the clinical significance of this alteration remains unclear.